The following is an entry in ClinVar:

ClinVar aggregate classification (germline): Benign/Likely benign. Review status: criteria provided, multiple submitters, no conflicts (2 of 4 stars). 4 submissions from 4 submitters: Benign (2); Likely benign (2). Last evaluated 2026-02-02.

Conditions:
Congenital secretory diarrhea, chloride type (DIAR1). Also called: DIARRHEA 1, SECRETORY CHLORIDE, CONGENITAL; CHLORIDORRHEA, CONGENITAL; CHLORIDE DIARRHEA, CONGENITAL, FINNISH TYPE. Identifiers: Orphanet 53689, MedGen C0267662, MONDO:0008964, OMIM 214700.

Allele frequency attached by ClinVar (database versions not stated): ESP Exome Variant Server 0.00507; gnomAD 0.00621 and 0.00683; TOPMed 0.00678; gnomAD exomes 0.00881; ExAC 0.00908; 1000 Genomes Project 0.01098; 1000 Genomes Project 30x 0.01171.
gnomAD v4.1: 9,240 of 1,614,146 alleles (0.57%); highest among the groups gnomAD compares: South Asian, 3.3%; 90 homozygotes.

Submissions (4):

Labcorp Genetics (formerly Invitae), Labcorp
Classification: Benign. Last evaluated: 2026-02-02. Review status: criteria provided, single submitter. Criteria: Invitae Variant Classification Sherloc (09022015). Collection method: clinical testing. Allele origin: germline.

GeneDx
Classification: Likely benign. Last evaluated: 2020-08-03. Review status: criteria provided, single submitter. Criteria: GeneDx Variant Classification Process June 2021. Collection method: clinical testing. Allele origin: germline. Affected: yes.

Illumina Laboratory Services, Illumina
Classification: Benign for Congenital secretory diarrhea, chloride type. Last evaluated: 2018-01-13. Review status: criteria provided, single submitter. Criteria: ICSL Variant Classification Criteria 13 December 2019. Collection method: clinical testing. Allele origin: germline.
Comment: This variant was observed in the ICSL laboratory as part of a predisposition screen in an ostensibly healthy population. It had not been previously curated by ICSL or reported in the Human Gene Mutation Database (HGMD: prior to June 1st, 2018), and was therefore a candidate for classification through an automated scoring system. Utilizing variant allele frequency, disease prevalence and penetrance estimates, and inheritance mode, an automated score was calculated to assess if this variant is too frequent to cause the disease. Based on the score and internal cut-off values, a variant classified as benign is not then subjected to further curation. The score for this variant resulted in a classification of benign for this disease.

Breakthrough Genomics
Classification: Likely benign. Review status: criteria provided, single submitter. Criteria: ACMG Guidelines, 2015. Collection method: not provided. Allele origin: germline. Inheritance: Autosomal recessive inheritance. Affected: yes.

NM_000111.3(SLC26A3):c.996C>T (p.Asp332=)

Gene: SLC26A3 (solute carrier family 26 member 3; minus strand). Cytogenetic location: 7q22.3.
Variant type: single nucleotide variant.
Coding change: c.996C>T on transcript NM_000111.3 (MANE Select); coding-DNA position 996, C replaced by T.
Protein change: p.Asp332=; no amino-acid change (aspartic acid 332 retained).
Molecular consequence: synonymous variant.
Genome position (GRCh38, 1-based): chr7:107,783,328, G>A on the plus strand (C>T on the coding strand, the complement: SLC26A3 is on the minus strand). VCF-style: chr7-107783328-G-A. GRCh37 (hg19) VCF-style: chr7-107423773-G-A.
Identifiers: ClinVar variation 358547 (VCV000358547.18), dbSNP rs35576676, ClinGen allele CA4433964.
Genomic context (GRCh38, chr7:107,783,328, plus strand): 5'-TGCAAATGCAACCATTGCGATGCCGAAGCAATCTCCTACGGTGTTTTGGAAAGTCTCCAC[G>A]TCAGGTGTAATAGGGGGCTGAAATCTAAAATTGAAATTAAGCAAGTCTGAATGTCACCAA-3'
Protein context (NP_000102.1, residues 322-342): NPGFQPPITP[Asp332=]VETFQNTVGD